The following is an entry in ClinVar:

ClinVar aggregate classification (germline): Pathogenic. Review status: criteria provided, multiple submitters, no conflicts (2 of 4 stars). 4 submissions from 4 submitters: Pathogenic (3). 1 of the submissions does not count toward it. Last evaluated 2024-09-24.

Conditions:
Ehlers-Danlos syndrome, type 4 (EDSVASC). Also called: Ehlers-Danlos syndrome vascular type; Ehlers Danlos syndrome, ecchymotic type; Ehlers Danlos syndrome, arterial type; Ehlers Danlos syndrome, Sack-Barabas type; Ehlers-Danlos Syndrome Type IV. Identifiers: Orphanet 286, MedGen C0268338, MONDO:0017314, OMIM 130050.
Polymicrogyria with or without vascular-type Ehlers-Danlos syndrome. Identifiers: Orphanet 636941, MedGen C5193040, MONDO:0032688, OMIM 618343.
Familial thoracic aortic aneurysm and aortic dissection (TAAD). Also called: Thoracic aortic aneurysms and dissections. Identifiers: Orphanet 91387, MedGen C4707243, MONDO:0019625.

Submissions (4):

Ambry Genetics
Classification: Pathogenic for Familial thoracic aortic aneurysm and aortic dissection. Last evaluated: 2024-09-24. Review status: criteria provided, single submitter. Criteria: Ambry Variant Classification Scheme 2023. Collection method: clinical testing. Allele origin: germline.
Comment: The p.G711S pathogenic mutation (also known as c.2131G>A), located in coding exon 31 of the COL3A1 gene, results from a G to A substitution at nucleotide position 2131. The glycine at codon 711 is replaced by serine, an amino acid with similar properties. The majority (approximately two-thirds) of COL3A1 mutations identified to date have involved the substitution of another amino acid for glycine within the triple-helical domain (Pepin MG et al. Genet Med. 2014;16(12):881-8; Frank M et al. Eur J Hum Genet. 2015;23(12):1657-64). This variant was reported in an individual who met clinical criteria for vascular Ehlers-Danlos syndrome (Chuman H et al. J Neuroophthalmol, 2002 Jun;22:75-81; Shalhub S et al. J Vasc Surg, 2019 11;70:1543-1554). Internal structural analysis indicates that this alteration disrupts the characteristic G-X-Y motif in the COL3A1 protein and inserts a bulky side chain into a sterically-constrained region (Bella J et al. Science. 1994;266:75-81; Hohenester E et al. Proc. Natl. Acad. Sci. U.S.A. 2008;105:18273-7; Ambry internal data). This amino acid position is highly conserved in available vertebrate species. In addition, this alteration is predicted to be deleterious by in silico analysis. This variant is considered to be rare based on population cohorts in the Genome Aggregation Database (gnomAD). Based on the supporting evidence, this alteration is interpreted as a disease-causing mutation.

Labcorp Genetics (formerly Invitae), Labcorp
Classification: Pathogenic for Ehlers-Danlos syndrome, type 4. Last evaluated: 2022-10-13. Review status: criteria provided, single submitter. Criteria: Invitae Variant Classification Sherloc (09022015). Collection method: clinical testing. Allele origin: germline.
Comment: For these reasons, this variant has been classified as Pathogenic. This variant disrupts the triple helix domain of COL3A1. Glycine residues within the Gly-Xaa-Yaa repeats of the triple helix domain are required for the structure and stability of fibrillar collagens (PMID: 7695699, 8218237, 19344236). In COL3A1, variants that affect these glycine residues are significantly enriched in individuals with disease (PMID: 24922459, 25758994) compared to the general population (ExAC). Advanced modeling of protein sequence and biophysical properties (such as structural, functional, and spatial information, amino acid conservation, physicochemical variation, residue mobility, and thermodynamic stability) performed at Invitae indicates that this missense variant is expected to disrupt COL3A1 protein function. ClinVar contains an entry for this variant (Variation ID: 101455). This variant is also known as G544S. This missense change has been observed in individuals with clinical features of Ehlers-Danlos syndrome (PMID: 12131463; Invitae). This variant is not present in population databases (gnomAD no frequency). This sequence change replaces glycine, which is neutral and non-polar, with serine, which is neutral and polar, at codon 711 of the COL3A1 protein (p.Gly711Ser).

Fulgent Genetics
Classification: Pathogenic for Ehlers-Danlos syndrome, type 4; Polymicrogyria with or without vascular-type Ehlers-Danlos syndrome. Last evaluated: 2022-04-25. Review status: criteria provided, single submitter. Criteria: ACMG Guidelines, 2015. Collection method: clinical testing. Allele origin: unknown.

Collagen Diagnostic Laboratory, University of Washington
Classification: Pathogenic for Ehlers-Danlos syndrome, type 4. Review status: no assertion criteria provided. Collection method: clinical testing. Allele origin: germline. Affected: yes. Not counted in ClinVar's aggregate classification.

Literature cited by the submitters: PubMed 12131463 (cited by 3 submitters); PubMed 31126764 (cited by Ambry Genetics); PubMed 7695699 (cited by Labcorp Genetics (formerly Invitae), Labcorp); PubMed 8218237 (cited by Labcorp Genetics (formerly Invitae), Labcorp); PubMed 19344236 (cited by Labcorp Genetics (formerly Invitae), Labcorp); PubMed 24922459 (cited by Labcorp Genetics (formerly Invitae), Labcorp); PubMed 25758994 (cited by Labcorp Genetics (formerly Invitae), Labcorp).

NM_000090.4(COL3A1):c.2131G>A (p.Gly711Ser)

Gene: COL3A1 (collagen type III alpha 1 chain; plus strand). Cytogenetic location: 2q32.2.
Variant type: single nucleotide variant.
Coding change: c.2131G>A on transcript NM_000090.4 (MANE Select); coding-DNA position 2131, G replaced by A.
Protein change: p.Gly711Ser; replaces glycine 711 with serine.
Molecular consequence: missense variant.
Genome position (GRCh38, 1-based): chr2:188,999,479, G>A. VCF-style: chr2-188999479-G-A. GRCh37 (hg19) VCF-style: chr2-189864205-G-A.
Identifiers: ClinVar variation 101455 (VCV000101455.11), dbSNP rs587779695, ClinGen allele CA005078.
Genomic context (GRCh38, chr2:188,999,479, plus strand): 5'-AAATGCATTTGATTTCCTTCTGATCATTTATTATTTCTCACTTATTTTCAGGGTGCTGCT[G>A]GTCCTCCTGGGCCACCTGGTGCTGCTGGTACTCCTGGTCTGCAAGGAATGCCTGGAGAAA-3'
Protein context (NP_000081.2, residues 701-721): PGPEGGKGAA[Gly711Ser]PPGPPGAAGT